The following is an entry in ClinVar:

ClinVar aggregate classification (germline): Uncertain significance (1 of 4 stars; one submission).

Conditions:
Neurofibromatosis, type 1 (NF1). Also called: Peripheral type neurofibromatosis; VON RECKLINGHAUSEN DISEASE; NEUROFIBROMATOSIS, TYPE I, SOMATIC; Neurofibromatosis, type I. Identifiers: Orphanet 636, MedGen C0027831, MONDO:0018975, OMIM 162200. Disease mechanism: loss of function.

Submission:

Labcorp Genetics (formerly Invitae), Labcorp
Classification: Uncertain significance for Neurofibromatosis, type 1. Last evaluated: 2023-12-21. Review status: criteria provided, single submitter. Criteria: Invitae Variant Classification Sherloc (09022015). Collection method: clinical testing. Allele origin: germline.
Comment: This sequence change replaces alanine, which is neutral and non-polar, with proline, which is neutral and non-polar, at codon 74 of the NF1 protein (p.Ala74Pro). This variant is not present in population databases (gnomAD no frequency). This variant has not been reported in the literature in individuals affected with NF1-related conditions. Advanced modeling of protein sequence and biophysical properties (such as structural, functional, and spatial information, amino acid conservation, physicochemical variation, residue mobility, and thermodynamic stability) performed at Invitae indicates that this missense variant is not expected to disrupt NF1 protein function with a negative predictive value of 95%. In summary, the available evidence is currently insufficient to determine the role of this variant in disease. Therefore, it has been classified as a Variant of Uncertain Significance.

NM_001042492.3(NF1):c.220G>C (p.Ala74Pro)

Gene: NF1 (neurofibromin 1; plus strand). Cytogenetic location: 17q11.2.
Variant type: single nucleotide variant.
Coding change: c.220G>C on transcript NM_001042492.3 (MANE Select); coding-DNA position 220, G replaced by C.
Protein change: p.Ala74Pro; replaces alanine 74 with proline.
Molecular consequence: missense variant.
Genome position (GRCh38, 1-based): chr17:31,159,025, G>C. VCF-style: chr17-31159025-G-C. GRCh37 (hg19) VCF-style: chr17-29486043-G-C.
Other names: c.220G>C, p.Ala74Pro (NM_000267.4, NM_001128147.3); short protein forms A74P.
Identifiers: ClinVar variation 2704636 (VCV002704636.3), dbSNP rs2065716371, ClinGen allele CA398989556.